The following is an entry in ClinVar:

NM_000051.4(ATM):c.2976C>G (p.Asn992Lys)

Gene: ATM (ATM serine/threonine kinase; plus strand). Cytogenetic location: 11q22.3.
Variant type: single nucleotide variant.
Coding change: c.2976C>G on transcript NM_000051.4 (MANE Select); coding-DNA position 2976, C replaced by G.
Protein change: p.Asn992Lys; replaces asparagine 992 with lysine.
Molecular consequence: missense variant.
Genome position (GRCh38, 1-based): chr11:108,271,305, C>G. VCF-style: chr11-108271305-C-G. GRCh37 (hg19) VCF-style: chr11-108142032-C-G.
Other names: c.2976C>G, p.Asn992Lys (NM_001351834.2); short protein forms N992K.
Identifiers: ClinVar variation 572867 (VCV000572867.10), dbSNP rs1283172338, ClinGen allele CA382547293.

ClinVar aggregate classification (germline): Uncertain significance (1 of 4 stars; one submission).

Conditions:
Ataxia-telangiectasia syndrome (AT). Also called: AT, COMPLEMENTATION GROUP C; Cerebello-oculocutaneous telangiectasia; Immunodeficiency with ataxia telangiectasia; Ataxia-telangiectasia, complementation group D; ATAXIA-TELANGIECTASIA, FRESNO VARIANT; Ataxia-telangiectasia, complementation group E. Identifiers: Orphanet 100, MedGen C0004135, MONDO:0008840, OMIM 208900.

Submission:

Labcorp Genetics (formerly Invitae), Labcorp
Classification: Uncertain significance for Ataxia-telangiectasia syndrome. Last evaluated: 2019-03-28. Review status: criteria provided, single submitter. Criteria: Invitae Variant Classification Sherloc (09022015). Collection method: clinical testing. Allele origin: germline.
Comment: In summary, the available evidence is currently insufficient to determine the role of this variant in disease. Therefore, it has been classified as a Variant of Uncertain Significance. Algorithms developed to predict the effect of sequence changes on RNA splicing suggest that this variant may create or strengthen a splice site, but this prediction has not been confirmed by published transcriptional studies. Algorithms developed to predict the effect of missense changes on protein structure and function output the following: SIFT: "Tolerated"; PolyPhen-2: "Benign"; Align-GVGD: "Class C0". The lysine amino acid residue is found in multiple mammalian species, suggesting that this missense change does not adversely affect protein function. These predictions have not been confirmed by published functional studies and their clinical significance is uncertain. This variant has not been reported in the literature in individuals with ATM-related disease. This variant is not present in population databases (ExAC no frequency). This sequence change replaces asparagine with lysine at codon 992 of the ATM protein (p.Asn992Lys). The asparagine residue is weakly conserved and there is a moderate physicochemical difference between asparagine and lysine.